The following is an entry in ClinVar:

NM_001365276.2(TNXB):c.8957A>T (p.Tyr2986Phe)

Gene: TNXB (tenascin XB; minus strand). Cytogenetic location: 6p21.33.
Variant type: single nucleotide variant.
Coding change: c.8957A>T on transcript NM_001365276.2 (MANE Select); coding-DNA position 8957, A replaced by T.
Protein change: p.Tyr2986Phe; replaces tyrosine 2986 with phenylalanine.
Molecular consequence: missense variant.
Genome position (GRCh38, 1-based): chr6:32,052,828, T>A on the plus strand (A>T on the coding strand, the complement: TNXB is on the minus strand). VCF-style: chr6-32052828-T-A. GRCh37 (hg19) VCF-style: chr6-32020605-T-A.
Other names: c.9698A>T, p.Tyr3233Phe (NM_001428335.1); c.8951A>T, p.Tyr2984Phe (NM_019105.8); short protein forms Y2984F, Y3233F, Y2986F.
Identifiers: ClinVar variation 4615149 (VCV004615149.1).
Genomic context (GRCh38, chr6:32,052,828, plus strand): 5'-GTGACCTCGCTCTCCTCGCCCCTGACACGCACCACCTGGGGCCGCCCGTCCCTGTCCTTG[T>A]ACTGCACAGTGAAGGAGTCGAAGCGGCCCTGGGGGATGGTCCAGGAGAGGCTCAGCGAGT-3'
Protein context (NP_001352205.1, residues 2976-2996): QGRFDSFTVQ[Tyr2986Phe]KDRDGRPQVV

ClinVar aggregate classification (germline): Uncertain significance (1 of 4 stars; one submission).

Conditions:
Cardiovascular phenotype. Identifiers: MedGen CN230736.

gnomAD v4.1: 3 of 1,613,660 alleles (0.00019%); highest among the groups gnomAD compares: Non-Finnish European, 0.00025%; no homozygotes.

Submission:

Ambry Genetics
Classification: Uncertain significance for Cardiovascular phenotype. Last evaluated: 2025-10-05. Review status: criteria provided, single submitter. Criteria: Ambry Variant Classification Scheme 2023. Collection method: clinical testing. Allele origin: germline.
Comment: The p.Y2984F variant (also known as c.8951A>T), located in coding exon 25 of the TNXB gene, results from an A to T substitution at nucleotide position 8951. The tyrosine at codon 2984 is replaced by phenylalanine, an amino acid with highly similar properties. This amino acid position is conserved. In addition, this alteration is predicted to be tolerated by in silico analysis. Based on the available evidence, the clinical significance of this variant remains unclear.